The following is an entry in ClinVar:

ClinVar aggregate classification (germline): Uncertain significance (1 of 4 stars; one submission).

Conditions:
Cone-rod dystrophy 9 (CORD9). Identifiers: Orphanet 1872, MedGen C1423873, MONDO:0013002, OMIM 612775.

gnomAD v4.1: 2 of 1,613,710 alleles (0.00012%); highest among the groups gnomAD compares: East Asian, 0.0045%; no homozygotes.

Submission:

Juno Genomics, Hangzhou Juno Genomics, Inc
Classification: Uncertain significance for Cone-rod dystrophy 9. Review status: criteria provided, single submitter. Criteria: ACMG Guidelines, 2015. Collection method: clinical testing. Allele origin: germline.
Comment: Absent from controls (or at extremely low frequency if recessive) in Genome Aggregation Database.;Multiple lines of computational evidence support a deleterious effect on the gene or gene product.

NM_003816.3(ADAM9):c.634C>G (p.Arg212Gly)

Gene: ADAM9 (ADAM metallopeptidase domain 9; plus strand). Cytogenetic location: 8p11.22.
Variant type: single nucleotide variant.
Coding change: c.634C>G on transcript NM_003816.3 (MANE Select); coding-DNA position 634, C replaced by G.
Protein change: p.Arg212Gly; replaces arginine 212 with glycine.
Molecular consequence: missense variant. On other transcripts: non-coding transcript variant (3).
Genome position (GRCh38, 1-based): chr8:39,018,880, C>G. VCF-style: chr8-39018880-C-G. GRCh37 (hg19) VCF-style: chr8-38876399-C-G.
Other names: short protein forms R212G.
Identifiers: ClinVar variation 5007311 (VCV005007311.2).
Genomic context (GRCh38, chr8:39,018,880, plus strand): 5'-CTTTTGCCTTTATGATGTTTGTGTTTTTGACAGAGAAGAAGAGCTGTCTTGCCACAGACC[C>G]GGTATGTGGAGCTGTTCATTGTCGTAGACAAGGAAAGGGTAAGATTGGTGACAATTTTTC-3'
Protein context (NP_003807.1, residues 202-222): RRRRAVLPQT[Arg212Gly]YVELFIVVDK